The following is an entry in ClinVar:

NM_003468.4(FZD5):c.1141G>C (p.Val381Leu)

Gene: FZD5 (frizzled class receptor 5; minus strand). Cytogenetic location: 2q33.3.
Variant type: single nucleotide variant.
Coding change: c.1141G>C on transcript NM_003468.4 (MANE Select); coding-DNA position 1141, G replaced by C.
Protein change: p.Val381Leu; replaces valine 381 with leucine.
Molecular consequence: missense variant.
Genome position (GRCh38, 1-based): chr2:207,767,599, C>G on the plus strand (G>C on the coding strand, the complement: FZD5 is on the minus strand). VCF-style: chr2-207767599-C-G. GRCh37 (hg19) VCF-style: chr2-208632323-C-G.
Other names: short protein forms V381L.
Identifiers: ClinVar variation 5006199 (VCV005006199.2).

ClinVar aggregate classification (germline): Uncertain significance (1 of 4 stars; one submission).

Conditions:
Microphthalmia/coloboma 11 (MCOPCB11). Identifiers: MedGen C5935584, MONDO:0958239, OMIM 620731.

Submission:

Juno Genomics, Hangzhou Juno Genomics, Inc
Classification: Uncertain significance for Microphthalmia/coloboma 11. Review status: criteria provided, single submitter. Criteria: ACMG Guidelines, 2015. Collection method: clinical testing. Allele origin: germline.
Comment: Absent from controls (or at extremely low frequency if recessive) in Genome Aggregation Database.;Multiple lines of computational evidence support a deleterious effect on the gene or gene product.